The following is an entry in ClinVar:

NM_007215.4(POLG2):c.196A>G (p.Ser66Gly)

Genes: MILR1 (mast cell immunoglobulin like receptor 1; plus strand), POLG2 (DNA polymerase gamma 2, accessory subunit; minus strand). Cytogenetic location: 17q23.3.
Variant type: single nucleotide variant.
Coding change: c.196A>G on transcript NM_007215.4 (MANE Select); coding-DNA position 196, A replaced by G.
Protein change: p.Ser66Gly; replaces serine 66 with glycine.
Molecular consequence: missense variant.
Genome position (GRCh38, 1-based): chr17:64,496,773, T>C on the plus strand (A>G on the coding strand, the complement: POLG2 is on the minus strand). VCF-style: chr17-64496773-T-C. GRCh37 (hg19) VCF-style: chr17-62492891-T-C.
Other names: short protein forms S66G.
Identifiers: ClinVar variation 3009915 (VCV003009915.3), dbSNP rs1568093839, ClinGen allele CA400641447.

ClinVar aggregate classification (germline): Uncertain significance (1 of 4 stars; one submission).

Submission:

Labcorp Genetics (formerly Invitae), Labcorp
Classification: Uncertain significance. Last evaluated: 2023-12-31. Review status: criteria provided, single submitter. Criteria: Invitae Variant Classification Sherloc (09022015). Collection method: clinical testing. Allele origin: germline.
Comment: This sequence change replaces serine, which is neutral and polar, with glycine, which is neutral and non-polar, at codon 66 of the POLG2 protein (p.Ser66Gly). This variant is not present in population databases (gnomAD no frequency). This variant has not been reported in the literature in individuals affected with POLG2-related conditions. Algorithms developed to predict the effect of missense changes on protein structure and function output the following: SIFT: "Not Available"; PolyPhen-2: "Benign"; Align-GVGD: "Not Available". The glycine amino acid residue is found in multiple mammalian species, which suggests that this missense change does not adversely affect protein function. In summary, the available evidence is currently insufficient to determine the role of this variant in disease. Therefore, it has been classified as a Variant of Uncertain Significance.